The following is an entry in ClinVar:

NM_000051.4(ATM):c.3108C>A (p.Phe1036Leu)

Gene: ATM (ATM serine/threonine kinase; plus strand). Cytogenetic location: 11q22.3.
Variant type: single nucleotide variant.
Coding change: c.3108C>A on transcript NM_000051.4 (MANE Select); coding-DNA position 3108, C replaced by A.
Protein change: p.Phe1036Leu; replaces phenylalanine 1036 with leucine.
Molecular consequence: missense variant.
Genome position (GRCh38, 1-based): chr11:108,272,562, C>A. VCF-style: chr11-108272562-C-A. GRCh37 (hg19) VCF-style: chr11-108143289-C-A.
Other names: c.3108C>A, p.Phe1036Leu (NM_001351834.2); short protein forms F1036L.
Identifiers: ClinVar variation 1983990 (VCV001983990.4), dbSNP rs867514913, ClinGen allele CA382515152.

ClinVar aggregate classification (germline): Uncertain significance (1 of 4 stars; one submission).

Conditions:
Ataxia-telangiectasia syndrome (AT). Also called: Ataxia telangiectasia (A-T); Cerebello-oculocutaneous telangiectasia; Immunodeficiency with ataxia telangiectasia; Ataxia-telangiectasia, complementation group D; Ataxia-telangiectasia, complementation group E; LOUIS-BAR SYNDROME. Identifiers: Orphanet 100, MedGen C0004135, MONDO:0008840, OMIM 208900.

Submission:

Labcorp Genetics (formerly Invitae), Labcorp
Classification: Uncertain significance for Ataxia-telangiectasia syndrome. Last evaluated: 2022-04-23. Review status: criteria provided, single submitter. Criteria: Invitae Variant Classification Sherloc (09022015). Collection method: clinical testing. Allele origin: germline.
Comment: In summary, the available evidence is currently insufficient to determine the role of this variant in disease. Therefore, it has been classified as a Variant of Uncertain Significance. Advanced modeling of protein sequence and biophysical properties (such as structural, functional, and spatial information, amino acid conservation, physicochemical variation, residue mobility, and thermodynamic stability) performed at Invitae indicates that this missense variant is not expected to disrupt ATM protein function. This variant has not been reported in the literature in individuals affected with ATM-related conditions. This variant is not present in population databases (gnomAD no frequency). This sequence change replaces phenylalanine, which is neutral and non-polar, with leucine, which is neutral and non-polar, at codon 1036 of the ATM protein (p.Phe1036Leu).